The following is an entry in ClinVar:

ClinVar aggregate classification (germline): Uncertain significance (1 of 4 stars; one submission).

Conditions:
Wilson-Turner syndrome (WTS). Also called: MENTAL RETARDATION, X-LINKED, SYNDROMIC 6; INTELLECTUAL DEVELOPMENTAL DISORDER, X-LINKED, SYNDROMIC, WILSON-TURNER TYPE. Identifiers: Orphanet 3459, MedGen C1839736, MONDO:0010665, OMIM 309585.

Allele frequency attached by ClinVar (database versions not stated): gnomAD exomes below 0.00001; ExAC 0.00002.
gnomAD v4.1: 2 of 1,198,632 alleles (0.00017%); highest among the groups gnomAD compares: Non-Finnish European, 0.00011%; no homozygotes.

Submission:

Labcorp Genetics (formerly Invitae), Labcorp
Classification: Uncertain significance for Wilson-Turner syndrome. Last evaluated: 2025-09-03. Review status: criteria provided, single submitter. Criteria: Invitae Variant Classification Sherloc (09022015). Collection method: clinical testing. Allele origin: germline.
Comment: This sequence change replaces arginine, which is basic and polar, with tryptophan, which is neutral and slightly polar, at codon 684 of the LAS1L protein (p.Arg684Trp). The frequency data for this variant in the population databases is considered unreliable, as metrics indicate poor data quality at this position in the gnomAD database. This variant has not been reported in the literature in individuals affected with LAS1L-related conditions. ClinVar contains an entry for this variant (Variation ID: 464824). Invitae Evidence Modeling of protein sequence and biophysical properties (such as structural, functional, and spatial information, amino acid conservation, physicochemical variation, residue mobility, and thermodynamic stability) indicates that this missense variant is not expected to disrupt LAS1L protein function with a negative predictive value of 80%. In summary, the available evidence is currently insufficient to determine the role of this variant in disease. Therefore, it has been classified as a Variant of Uncertain Significance.

NM_031206.7(LAS1L):c.2050C>T (p.Arg684Trp)

Gene: LAS1L (LAS1 like ribosome biogenesis factor; minus strand). Cytogenetic location: Xq12.
Variant type: single nucleotide variant.
Coding change: c.2050C>T on transcript NM_031206.7 (MANE Select); coding-DNA position 2050, C replaced by T.
Protein change: p.Arg684Trp; replaces arginine 684 with tryptophan.
Molecular consequence: missense variant. On other transcripts: non-coding transcript variant (1).
Genome position (GRCh38, 1-based): chrX:65,514,851, G>A on the plus strand (C>T on the coding strand, the complement: LAS1L is on the minus strand). VCF-style: chrX-65514851-G-A. GRCh37 (hg19) VCF-style: chrX-64734731-G-A.
Other names: c.1999C>T, p.Arg667Trp (NM_001170649.2); c.1873C>T, p.Arg625Trp (NM_001170650.2); c.2047C>T, p.Arg683Trp (NM_001375328.1); c.1093C>T, p.Arg365Trp (NM_001375332.1); c.1996C>T, p.Arg666Trp (NM_001375333.1); short protein forms R684W, R625W, R667W, R365W, R666W, R683W.
Identifiers: ClinVar variation 464824 (VCV000464824.9), dbSNP rs762602796, ClinGen allele CA10433835.